The following is an entry in ClinVar:

ClinVar aggregate classification (germline): Uncertain significance. Review status: criteria provided, multiple submitters, no conflicts (2 of 4 stars). 2 submissions from 2 submitters: Uncertain significance (2). Last evaluated 2025-06-15.

Conditions:
Inborn genetic diseases. Identifiers: MedGen C0950123, MeSH D030342.

gnomAD v4.1: 2 of 1,611,514 alleles (0.00012%); highest among the groups gnomAD compares: Non-Finnish European, 0.000085%; no homozygotes.

Submissions (2):

Labcorp Genetics (formerly Invitae), Labcorp
Classification: Uncertain significance. Last evaluated: 2025-06-15. Review status: criteria provided, single submitter. Criteria: Invitae Variant Classification Sherloc (09022015). Collection method: clinical testing. Allele origin: germline.
Comment: This sequence change replaces tyrosine, which is neutral and polar, with cysteine, which is neutral and slightly polar, at codon 1053 of the C3 protein (p.Tyr1053Cys). This variant is present in population databases (rs773731044, gnomAD 0.007%). This variant has not been reported in the literature in individuals affected with C3-related conditions. ClinVar contains an entry for this variant (Variation ID: 3483623). Invitae Evidence Modeling of protein sequence and biophysical properties (such as structural, functional, and spatial information, amino acid conservation, physicochemical variation, residue mobility, and thermodynamic stability) indicates that this missense variant is expected to disrupt C3 protein function with a positive predictive value of 80%. In summary, the available evidence is currently insufficient to determine the role of this variant in disease. Therefore, it has been classified as a Variant of Uncertain Significance.

Ambry Genetics
Classification: Uncertain significance for Inborn genetic diseases. Last evaluated: 2024-10-06. Review status: criteria provided, single submitter. Criteria: Ambry Variant Classification Scheme 2023. Collection method: clinical testing. Allele origin: germline.

NM_000064.4(C3):c.3158A>G (p.Tyr1053Cys)

Gene: C3 (complement C3; minus strand). Cytogenetic location: 19p13.3.
Variant type: single nucleotide variant.
Coding change: c.3158A>G on transcript NM_000064.4 (MANE Select); coding-DNA position 3158, A replaced by G.
Protein change: p.Tyr1053Cys; replaces tyrosine 1053 with cysteine.
Molecular consequence: missense variant.
Genome position (GRCh38, 1-based): chr19:6,693,484, T>C on the plus strand (A>G on the coding strand, the complement: C3 is on the minus strand). VCF-style: chr19-6693484-T-C. GRCh37 (hg19) VCF-style: chr19-6693495-T-C.
Other names: short protein forms Y1053C.
Identifiers: ClinVar variation 3483623 (VCV003483623.2).
Genomic context (GRCh38, chr19:6,693,484, plus strand): 5'-GCCCGTTTCACGAAGGCCGCAAAGGCAGAGCTGGGTTGTCTGAAGGCCAGCTGCTGGGTG[T>C]ACCCTGCAGAGAAGAGAGAGGAACCCCCAAAAGAGCCGGGGCTGAGCAGAGGGGGCACGC-3'
Protein context (NP_000055.2, residues 1043-1063): QGALELIKKG[Tyr1053Cys]TQQLAFRQPS